The following is an entry in ClinVar:

NM_006218.4(PIK3CA):c.2978A>G (p.Gln993Arg)

Gene: PIK3CA (phosphatidylinositol-4,5-bisphosphate 3-kinase catalytic subunit alpha; plus strand). Cytogenetic location: 3q26.32.
Variant type: single nucleotide variant.
Coding change: c.2978A>G on transcript NM_006218.4 (MANE Select); coding-DNA position 2978, A replaced by G.
Protein change: p.Gln993Arg; replaces glutamine 993 with arginine.
Molecular consequence: missense variant.
Genome position (GRCh38, 1-based): chr3:179,234,135, A>G. VCF-style: chr3-179234135-A-G. GRCh37 (hg19) VCF-style: chr3-178951923-A-G.
Other names: short protein forms Q993R.
Identifiers: ClinVar variation 3932397 (VCV003932397.1).

ClinVar aggregate classification (germline): Uncertain significance (1 of 4 stars; one submission).

Conditions:
Inborn genetic diseases. Identifiers: MedGen C0950123, MeSH D030342.

gnomAD v4.1: 1 of 1,612,366 alleles (0.000062%); highest among the groups gnomAD compares: Non-Finnish European, 0.000085%; no homozygotes.

Submission:

Ambry Genetics
Classification: Uncertain significance for Inborn genetic diseases. Last evaluated: 2025-04-09. Review status: criteria provided, single submitter. Criteria: Ambry Variant Classification Scheme 2023. Collection method: clinical testing. Allele origin: germline.
Comment: The p.Q993R variant (also known as c.2978A>G), located in coding exon 20 of the PIK3CA gene, results from an A to G substitution at nucleotide position 2978. The glutamine at codon 993 is replaced by arginine, an amino acid with highly similar properties. This amino acid position is conserved. In addition, the in silico prediction for this alteration is inconclusive. Based on the available evidence, the clinical significance of this variant remains unclear.